The following is an entry in ClinVar:

ClinVar aggregate classification (germline): Pathogenic/Likely pathogenic. Review status: criteria provided, multiple submitters, no conflicts (2 of 4 stars). 2 submissions from 2 submitters: Pathogenic (1); Likely pathogenic (1). Last evaluated 2025-12-08.

Allele frequency attached by ClinVar (database versions not stated): ExAC 0.00002; gnomAD exomes 0.00002; TOPMed 0.00002.
gnomAD v4.1: 64 of 1,614,084 alleles (0.004%); highest among the groups gnomAD compares: Non-Finnish European, 0.0054%; no homozygotes.

Submissions (2):

Labcorp Genetics (formerly Invitae), Labcorp
Classification: Pathogenic. Last evaluated: 2025-12-08. Review status: criteria provided, single submitter. Criteria: Invitae Variant Classification Sherloc (09022015). Collection method: clinical testing. Allele origin: germline.
Comment: This sequence change creates a premature translational stop signal (p.Tyr450*) in the LAMC2 gene. It is expected to result in an absent or disrupted protein product. Loss-of-function variants in LAMC2 are known to be pathogenic (PMID: 11907499, 16473856). This variant is present in population databases (rs201308300, gnomAD 0.004%). This variant has not been reported in the literature in individuals affected with LAMC2-related conditions. ClinVar contains an entry for this variant (Variation ID: 1074497). Algorithms developed to predict the effect of sequence changes on RNA splicing suggest that this variant may disrupt the consensus splice site. For these reasons, this variant has been classified as Pathogenic.

GeneDx
Classification: Likely pathogenic. Last evaluated: 2023-02-16. Review status: criteria provided, single submitter. Criteria: GeneDx Variant Classification Process June 2021. Collection method: clinical testing. Allele origin: germline. Affected: yes.
Comment: Nonsense variant predicted to result in protein truncation or nonsense mediated decay in a gene for which loss of function is a known mechanism of disease; Has not been previously published as pathogenic or benign to our knowledge

Literature cited by the submitters: PubMed 11907499 (cited by Labcorp Genetics (formerly Invitae), Labcorp); PubMed 16473856 (cited by Labcorp Genetics (formerly Invitae), Labcorp).

NM_005562.3(LAMC2):c.1350C>A (p.Tyr450Ter)

Gene: LAMC2 (laminin subunit gamma 2; plus strand). Cytogenetic location: 1q25.3.
Variant type: single nucleotide variant.
Coding change: c.1350C>A on transcript NM_005562.3 (MANE Select); coding-DNA position 1350, C replaced by A.
Protein change: p.Tyr450Ter; replaces tyrosine 450 with a stop codon.
Molecular consequence: nonsense.
Genome position (GRCh38, 1-based): chr1:183,227,579, C>A. VCF-style: chr1-183227579-C-A. GRCh37 (hg19) VCF-style: chr1-183196714-C-A.
Other names: c.1350C>A, p.Tyr450Ter (NM_018891.3); c.1350C>A (NM_005562.2); short protein forms Y450*.
Identifiers: ClinVar variation 1074497 (VCV001074497.9), dbSNP rs201308300, ClinGen allele CA1282591.